The following is an entry in ClinVar:

ClinVar aggregate classification (germline): Uncertain significance. Review status: criteria provided, multiple submitters, no conflicts (2 of 4 stars). 3 submissions from 3 submitters: Uncertain significance (3). Last evaluated 2022-10-15.

Conditions:
Inborn genetic diseases. Identifiers: MedGen C0950123, MeSH D030342.
Adams-Oliver syndrome 2 (AOS2). Identifiers: Orphanet 974, MedGen C3280182, MONDO:0013635, OMIM 614219.

Allele frequency attached by ClinVar (database versions not stated): ExAC below 0.00001; gnomAD exomes 0.00007 and 0.00009; gnomAD 0.00015 and 0.00016; TOPMed 0.00019; 1000 Genomes Project 30x 0.00031.
gnomAD v4.1: 122 of 1,583,778 alleles (0.0077%); highest among the groups gnomAD compares: Admixed American, 0.076%; no homozygotes.

Submissions (3):

Labcorp Genetics (formerly Invitae), Labcorp
Classification: Uncertain significance. Last evaluated: 2022-10-15. Review status: criteria provided, single submitter. Criteria: Invitae Variant Classification Sherloc (09022015). Collection method: clinical testing. Allele origin: germline.
Comment: This sequence change replaces arginine, which is basic and polar, with glutamine, which is neutral and polar, at codon 2043 of the DOCK6 protein (p.Arg2043Gln). This variant is present in population databases (rs746117967, gnomAD 0.06%). This variant has not been reported in the literature in individuals affected with DOCK6-related conditions. ClinVar contains an entry for this variant (Variation ID: 1032862). Advanced modeling of protein sequence and biophysical properties (such as structural, functional, and spatial information, amino acid conservation, physicochemical variation, residue mobility, and thermodynamic stability) has been performed at Invitae for this missense variant, however the output from this modeling did not meet the statistical confidence thresholds required to predict the impact of this variant on DOCK6 protein function. In summary, the available evidence is currently insufficient to determine the role of this variant in disease. Therefore, it has been classified as a Variant of Uncertain Significance.

Ambry Genetics
Classification: Uncertain significance for Inborn genetic diseases. Last evaluated: 2022-09-29. Review status: criteria provided, single submitter. Criteria: Ambry Variant Classification Scheme 2023. Collection method: clinical testing. Allele origin: germline.

Baylor Genetics
Classification: Uncertain significance for Adams-Oliver syndrome 2. Last evaluated: 2021-03-07. Review status: criteria provided, single submitter. Criteria: ACMG Guidelines, 2015. Collection method: clinical testing. Allele origin: unknown.

NM_020812.4(DOCK6):c.6128G>A (p.Arg2043Gln)

Gene: DOCK6 (dedicator of cytokinesis 6; minus strand). Cytogenetic location: 19p13.2.
Variant type: single nucleotide variant.
Coding change: c.6128G>A on transcript NM_020812.4 (MANE Select); coding-DNA position 6128, G replaced by A.
Protein change: p.Arg2043Gln; replaces arginine 2043 with glutamine.
Molecular consequence: missense variant.
Genome position (GRCh38, 1-based): chr19:11,199,513, C>T on the plus strand (G>A on the coding strand, the complement: DOCK6 is on the minus strand). VCF-style: chr19-11199513-C-T. GRCh37 (hg19) VCF-style: chr19-11310189-C-T.
Other names: c.6233G>A, p.Arg2078Gln (NM_001367830.1); c.6128G>A (NM_020812.2); short protein forms R2078Q, R2043Q.
Identifiers: ClinVar variation 1032862 (VCV001032862.4), dbSNP rs746117967, ClinGen allele CA9206228.